The following is an entry in ClinVar:

NM_033004.4(NLRP1):c.3179C>T (p.Pro1060Leu)

Gene: NLRP1 (NLR family pyrin domain containing 1; minus strand). Cytogenetic location: 17p13.2.
Variant type: single nucleotide variant.
Coding change: c.3179C>T on transcript NM_033004.4 (MANE Select); coding-DNA position 3179, C replaced by T.
Protein change: p.Pro1060Leu; replaces proline 1060 with leucine.
Molecular consequence: missense variant.
Genome position (GRCh38, 1-based): chr17:5,532,939, G>A on the plus strand (C>T on the coding strand, the complement: NLRP1 is on the minus strand). VCF-style: chr17-5532939-G-A. GRCh37 (hg19) VCF-style: chr17-5436259-G-A.
Other names: c.3191C>T, p.Pro1064Leu (NM_001033053.3); c.3179C>T, p.Pro1060Leu (NM_014922.5); c.3089C>T, p.Pro1030Leu (NM_033006.4, NM_033007.4); c.3179C>T (NM_033004.3); short protein forms P1030L, P1060L, P1064L.
Identifiers: ClinVar variation 3617668 (VCV003617668.3).

ClinVar aggregate classification (germline): Uncertain significance. Review status: criteria provided, multiple submitters, no conflicts (2 of 4 stars). 2 submissions from 2 submitters: Uncertain significance (2). Last evaluated 2025-09-02.

Conditions:
Inborn genetic diseases. Identifiers: MedGen C0950123, MeSH D030342.

gnomAD v4.1: 2 of 1,614,076 alleles (0.00012%); highest among the groups gnomAD compares: Admixed American, 0.0033%; no homozygotes.

Submissions (2):

Labcorp Genetics (formerly Invitae), Labcorp
Classification: Uncertain significance. Last evaluated: 2025-09-02. Review status: criteria provided, single submitter. Criteria: Invitae Variant Classification Sherloc (09022015). Collection method: clinical testing. Allele origin: germline.
Comment: This sequence change replaces proline, which is neutral and non-polar, with leucine, which is neutral and non-polar, at codon 1060 of the NLRP1 protein (p.Pro1060Leu). This variant is present in population databases (no rsID available, gnomAD 0.006%). This variant has not been reported in the literature in individuals affected with NLRP1-related conditions. ClinVar contains an entry for this variant (Variation ID: 3617668). An algorithm developed to predict the effect of missense changes on protein structure and function (PolyPhen-2) suggests that this variant is likely to be tolerated. In summary, the available evidence is currently insufficient to determine the role of this variant in disease. Therefore, it has been classified as a Variant of Uncertain Significance.

Ambry Genetics
Classification: Uncertain significance for Inborn genetic diseases. Last evaluated: 2025-03-27. Review status: criteria provided, single submitter. Criteria: Ambry Variant Classification Scheme 2023. Collection method: clinical testing. Allele origin: germline.